The following is an entry in ClinVar:

NM_004655.4(AXIN2):c.944C>G (p.Thr315Arg)

Gene: AXIN2 (axin 2; minus strand). Cytogenetic location: 17q24.1.
Variant type: single nucleotide variant.
Coding change: c.944C>G on transcript NM_004655.4 (MANE Select); coding-DNA position 944, C replaced by G.
Protein change: p.Thr315Arg; replaces threonine 315 with arginine.
Molecular consequence: missense variant.
Genome position (GRCh38, 1-based): chr17:65,549,532, G>C on the plus strand (C>G on the coding strand, the complement: AXIN2 is on the minus strand). VCF-style: chr17-65549532-G-C. GRCh37 (hg19) VCF-style: chr17-63545650-G-C.
Other names: c.944C>G, p.Thr315Arg (NM_001363813.1); short protein forms T315R.
Identifiers: ClinVar variation 1766987 (VCV001766987.8), dbSNP rs747647668, ClinGen allele CA8718938.

ClinVar aggregate classification (germline): Uncertain significance. Review status: criteria provided, multiple submitters, no conflicts (2 of 4 stars). 2 submissions from 2 submitters: Uncertain significance (2). Last evaluated 2024-09-27.

Conditions:
Hereditary cancer-predisposing syndrome. Also called: Hereditary Cancer Syndrome; Hereditary neoplastic syndrome; Neoplastic Syndromes, Hereditary; Tumor predisposition. Identifiers: Orphanet 140162, MedGen C0027672, MeSH D009386, MONDO:0015356.
Oligodontia-cancer predisposition syndrome. Also called: TOOTH AGENESIS-COLORECTAL CANCER SYNDROME. Identifiers: Orphanet 300576, MedGen C1837750, MONDO:0012075, OMIM 608615. Disease mechanism: loss of function.

gnomAD v4.1: 1 of 1,612,496 alleles (0.000062%); highest among the groups gnomAD compares: Non-Finnish European, 0.000085%; no homozygotes.

Submissions (2):

Ambry Genetics
Classification: Uncertain significance for Hereditary cancer-predisposing syndrome. Last evaluated: 2024-09-27. Review status: criteria provided, single submitter. Criteria: Ambry Variant Classification Scheme 2023. Collection method: clinical testing. Allele origin: germline.
Comment: The p.T315R variant (also known as c.944C>G), located in coding exon 2 of the AXIN2 gene, results from a C to G substitution at nucleotide position 944. The threonine at codon 315 is replaced by arginine, an amino acid with similar properties. This amino acid position is highly conserved in available vertebrate species. In addition, this alteration is predicted to be deleterious by in silico analysis. Since supporting evidence is limited at this time, the clinical significance of this alteration remains unclear.

Labcorp Genetics (formerly Invitae), Labcorp
Classification: Uncertain significance for Oligodontia-cancer predisposition syndrome. Last evaluated: 2023-11-21. Review status: criteria provided, single submitter. Criteria: Invitae Variant Classification Sherloc (09022015). Collection method: clinical testing. Allele origin: germline.
Comment: This sequence change replaces threonine, which is neutral and polar, with arginine, which is basic and polar, at codon 315 of the AXIN2 protein (p.Thr315Arg). This variant is present in population databases (rs747647668, gnomAD 0.0009%). This variant has not been reported in the literature in individuals affected with AXIN2-related conditions. ClinVar contains an entry for this variant (Variation ID: 1766987). Advanced modeling of protein sequence and biophysical properties (such as structural, functional, and spatial information, amino acid conservation, physicochemical variation, residue mobility, and thermodynamic stability) performed at Invitae indicates that this missense variant is expected to disrupt AXIN2 protein function with a positive predictive value of 80%. In summary, the available evidence is currently insufficient to determine the role of this variant in disease. Therefore, it has been classified as a Variant of Uncertain Significance.